The following is an entry in ClinVar:

ClinVar aggregate classification (germline): Likely pathogenic. Review status: criteria provided, single submitter (1 of 4 stars). 2 submissions from 2 submitters: Likely pathogenic (1). 1 of the submissions does not count toward it. Last evaluated 2024-11-13.

Conditions:
Tay-Sachs disease (TSD). Also called: HEXA Disorders; HEXA DEFICIENCY; Hexosaminidase A Deficiency; GM2 gangliosidosis, type 1; Hexosaminidase alpha-subunit deficiency (variant B); Sphingolipidosis, Tay-Sachs. Identifiers: Orphanet 845, MedGen C0039373, MONDO:0010100, OMIM 272800.

Submissions (2):

Natera, Inc.
Classification: Likely pathogenic for Tay-Sachs disease. Last evaluated: 2024-11-13. Review status: criteria provided, single submitter. Criteria: Natera Variant Classification Schema (03/2026). Collection method: clinical testing. Allele origin: germline.
Comment: The c.1003A>T variant in HEXA is a missense variant predicted to cause substitution of isoleucine to phenylalanine at amino acid 335. This variant is rare in the general population with a frequency below the threshold expected for the associated phenotype(s). This variant has been observed in one or more individuals affected with the associated recessive disease, as either homozygous or compound heterozygous with a second variant (PMID: 24767253). This variant has been identified in one or more affected individuals with a phenotype highly consistent with the associated gene (PMID:24767253). Computational prediction algorithms indicate this variant is likely to affect gene or protein function. Given the available evidence, this variant is classified as Likely Pathogenic.

Counsyl
Classification: Uncertain significance for Tay-Sachs disease. Last evaluated: 2017-10-26. Review status: no assertion criteria provided. Collection method: clinical testing. Allele origin: unknown. Not counted in ClinVar's aggregate classification.

Literature cited by the submitters: PubMed 24767253 (cited by Natera, Inc. and Counsyl); PubMed 7951261 (cited by Counsyl); PubMed 16698036 (cited by Counsyl).

NM_000520.6(HEXA):c.1003A>T (p.Ile335Phe)

Gene: HEXA (hexosaminidase subunit alpha; minus strand). Cytogenetic location: 15q23.
Variant type: single nucleotide variant.
Coding change: c.1003A>T on transcript NM_000520.6 (MANE Select); coding-DNA position 1003, A replaced by T.
Protein change: p.Ile335Phe; replaces isoleucine 335 with phenylalanine.
Molecular consequence: missense variant. On other transcripts: non-coding transcript variant (1).
Genome position (GRCh38, 1-based): chr15:72,348,118, T>A on the plus strand (A>T on the coding strand, the complement: HEXA is on the minus strand). VCF-style: chr15-72348118-T-A. GRCh37 (hg19) VCF-style: chr15-72640459-T-A.
Other names: c.1003A>T (NM_000520.5); c.1036A>T, p.Ile346Phe (NM_001318825.2); short protein forms I335F, I346F.
Identifiers: ClinVar variation 554588 (VCV000554588.5), dbSNP rs1555472604, ClinGen allele CA393061984.
Genomic context (GRCh38, chr15:72,348,118, plus strand): 5'-AGAAGGACTCCAGCTGCTTGAAGTCCTCACCGAAGCCTTTCTTCCTCATAAAGTCCTGGA[T>A]CTCTGGGTTGGACTTCCTGAATCCCAAGAGAAAATGAAGATTAATCTTTCAACATCCTGA-3'
Protein context (NP_000511.2, residues 325-345): DFTCWKSNPE[Ile335Phe]QDFMRKKGFG